The following is an entry in ClinVar:

ClinVar aggregate classification (germline): Conflicting classifications of pathogenicity. Review status: criteria provided, conflicting classifications (1 of 4 stars). 3 submissions from 3 submitters: Uncertain significance (1); Likely benign (2). Last evaluated 2024-04-29.

Conditions:
Cardiovascular phenotype. Identifiers: MedGen CN230736.
Arrhythmogenic cardiomyopathy with wooly hair and keratoderma. Also called: PALMOPLANTAR KERATODERMA WITH LEFT VENTRICULAR CARDIOMYOPATHY AND WOOLLY HAIR; Carvajal syndrome; Dilated cardiomyopathy with woolly hair and keratoderma; Arrhythmogenic cardiomyopathy with woolly hair and keratoderma. Identifiers: Orphanet 65282, MedGen C1854063, MONDO:0011581, OMIM 605676.
Arrhythmogenic right ventricular dysplasia 8 (ARVD8). Also called: Arrhythmogenic Right Ventricular Dysplasia/Cardiomyopathy 8; ARRHYTHMOGENIC RIGHT VENTRICULAR DYSPLASIA, FAMILIAL, 8; ARRHYTHMOGENIC RIGHT VENTRICULAR CARDIOMYOPATHY 8. Identifiers: MedGen C1843896, MONDO:0011831, OMIM 607450.

Allele frequency attached by ClinVar (database versions not stated): gnomAD exomes below 0.00001; gnomAD 0.00001; TOPMed 0.00002.
gnomAD v4.1: 8 of 1,613,836 alleles (0.0005%); highest among the groups gnomAD compares: African/African-American, 0.0067%; no homozygotes.

Submissions (3):

Labcorp Genetics (formerly Invitae), Labcorp
Classification: Likely benign for Arrhythmogenic cardiomyopathy with wooly hair and keratoderma; Arrhythmogenic right ventricular dysplasia 8. Last evaluated: 2024-04-29. Review status: criteria provided, single submitter. Criteria: Invitae Variant Classification Sherloc (09022015). Collection method: clinical testing. Allele origin: germline.

GeneDx
Classification: Uncertain significance. Last evaluated: 2022-10-25. Review status: criteria provided, single submitter. Criteria: GeneDx Variant Classification Process June 2021. Collection method: clinical testing. Allele origin: germline. Affected: yes.
Comment: Not observed at significant frequency in large population cohorts (gnomAD); In silico analysis supports that this missense variant does not alter protein structure/function; Has not been previously published as pathogenic or benign to our knowledge

Ambry Genetics
Classification: Likely benign for Cardiovascular phenotype. Last evaluated: 2021-07-30. Review status: criteria provided, single submitter. Criteria: Ambry Variant Classification Scheme 2023. Collection method: clinical testing. Allele origin: germline.

NM_004415.4(DSP):c.5798C>G (p.Ser1933Cys)

Gene: DSP (desmoplakin; plus strand). Cytogenetic location: 6p24.3.
Variant type: single nucleotide variant.
Coding change: c.5798C>G on transcript NM_004415.4 (MANE Select); coding-DNA position 5798, C replaced by G.
Protein change: p.Ser1933Cys; replaces serine 1933 with cysteine.
Molecular consequence: missense variant.
Genome position (GRCh38, 1-based): chr6:7,583,060, C>G. VCF-style: chr6-7583060-C-G. GRCh37 (hg19) VCF-style: chr6-7583293-C-G.
Other names: c.4001C>G, p.Ser1334Cys (NM_001008844.3); c.4469C>G, p.Ser1490Cys (NM_001319034.2); short protein forms S1334C, S1490C, S1933C.
Identifiers: ClinVar variation 1749689 (VCV001749689.8), dbSNP rs558069434, ClinGen allele CA362689438.
Genomic context (GRCh38, chr6:7,583,060, plus strand): 5'-GCAGGCGTAAGCTGGAGGATTCTACCAGGGAGACACAGTCACAGTTAGAAACAGAACGCT[C>G]CCGATATCAGAGGGAGATTGATAAACTCAGACAGCGCCCATATGGGTCCCATCGAGAGAC-3'
Protein context (NP_004406.2, residues 1923-1943): ETQSQLETER[Ser1933Cys]RYQREIDKLR